The following is an entry in ClinVar:

ClinVar aggregate classification (germline): Uncertain significance (1 of 4 stars; one submission).

Conditions:
Hyperphosphatasia with intellectual disability syndrome 5 (GPIBD11). Also called: GLYCOSYLPHOSPHATIDYLINOSITOL BIOSYNTHESIS DEFECT 11. Identifiers: Orphanet 247262, MedGen C4014958, MONDO:0014457, OMIM 616025.

Submission:

Labcorp Genetics (formerly Invitae), Labcorp
Classification: Uncertain significance for Hyperphosphatasia with intellectual disability syndrome 5. Last evaluated: 2024-02-12. Review status: criteria provided, single submitter. Criteria: Invitae Variant Classification Sherloc (09022015). Collection method: clinical testing. Allele origin: germline.
Comment: This sequence change creates a premature translational stop signal (p.Trp53*) in the PIGW gene. While this is not anticipated to result in nonsense mediated decay, it is expected to disrupt the last 452 amino acid(s) of the PIGW protein. This variant is not present in population databases (gnomAD no frequency). This variant has not been reported in the literature in individuals affected with PIGW-related conditions. ClinVar contains an entry for this variant (Variation ID: 1987347). In summary, the available evidence is currently insufficient to determine the role of this variant in disease. Therefore, it has been classified as a Variant of Uncertain Significance.

NM_001346754.2(PIGW):c.159G>A (p.Trp53Ter)

Genes: MYO19 (myosin XIX; minus strand), PIGW (phosphatidylinositol glycan anchor biosynthesis class W; plus strand). Cytogenetic location: 17q12.
Variant type: single nucleotide variant.
Coding change: c.159G>A on transcript NM_001346754.2 (MANE Select); coding-DNA position 159, G replaced by A.
Protein change: p.Trp53Ter; replaces tryptophan 53 with a stop codon.
Molecular consequence: nonsense.
Genome position (GRCh38, 1-based): chr17:36,537,260, G>A. VCF-style: chr17-36537260-G-A. GRCh37 (hg19) VCF-style: chr17-34893109-G-A.
Other names: c.159G>A, p.Trp53Ter (NM_001346755.2, NM_178517.5); short protein forms W53*.
Identifiers: ClinVar variation 1987347 (VCV001987347.4), dbSNP rs2074153777, ClinGen allele CA399161941.